The following is an entry in ClinVar:

ClinVar aggregate classification (germline): Likely pathogenic. Review status: criteria provided, single submitter (1 of 4 stars). 2 submissions from 2 submitters: Likely pathogenic (1). 1 of the submissions does not count toward it. Last evaluated 2024-03-28.

Conditions:
MHC class II deficiency. Also called: Bare lymphocyte syndrome 2; BLS, TYPE II. Identifiers: Orphanet 572, MedGen C5447452, MONDO:0008855.
MHC class II deficiency 4. Identifiers: MedGen C1859537, MONDO:0971015, OMIM 620817.

Submissions (2):

Fulgent Genetics
Classification: Likely pathogenic for MHC class II deficiency 4. Last evaluated: 2024-03-28. Review status: criteria provided, single submitter. Criteria: ACMG Guidelines, 2015. Collection method: clinical testing. Allele origin: germline.

Quest Diagnostics Nichols Institute San Juan Capistrano
Classification: Pathogenic for Bare lymphocyte syndrome, type II, complementation group D. Last evaluated: 2014-05-25. Review status: no assertion criteria provided. Collection method: clinical testing. Allele origin: inherited. Affected: yes. Observed: 1 variant allele. Not counted in ClinVar's aggregate classification.
Comment: Homozygous nonsense mutation in exon 1 of the RFXAP gene predicted to result in a premature stop codon.

NM_000538.4(RFXAP):c.323T>A (p.Leu108Ter)

Gene: RFXAP (regulatory factor X associated protein; plus strand). Cytogenetic location: 13q13.3.
Variant type: single nucleotide variant.
Coding change: c.323T>A on transcript NM_000538.4 (MANE Select); coding-DNA position 323, T replaced by A.
Protein change: p.Leu108Ter; replaces leucine 108 with a stop codon.
Molecular consequence: nonsense.
Genome position (GRCh38, 1-based): chr13:36,819,680, T>A. VCF-style: chr13-36819680-T-A. GRCh37 (hg19) VCF-style: chr13-37393817-T-A.
Other names: short protein forms L108*.
Identifiers: ClinVar variation 208152 (VCV000208152.3), dbSNP rs754240018, ClinGen allele CA204374.